The following is an entry in ClinVar:

NM_018076.5(ODAD2):c.356dup (p.Leu119fs)

Gene: ODAD2 (outer dynein arm docking complex subunit 2; minus strand). Cytogenetic location: 10p12.1.
Variant type: Duplication.
Coding change: c.356dup on transcript NM_018076.5 (MANE Select); coding-DNA position 356, one base duplicated (T; older notation c.356dupT).
Protein change: p.Leu119fs; shifts the reading frame from leucine 119.
Molecular consequence: frameshift variant.
Genome position (GRCh38, 1-based): chr10:27,987,412, A duplicated on the plus strand (T on the coding strand, the reverse complement: ODAD2 is on the minus strand); the first of 2 consecutive A bases (chr10:27,987,412-27,987,413); duplicating either gives the same sequence. VCF-style (leftmost placement, unchanged base first): chr10-27987411-C-CA. GRCh37 (hg19) VCF-style: chr10-28276340-C-CA.
Other names: c.356dup, p.Leu119fs (NM_001290020.2); short protein forms L119fs.
Identifiers: ClinVar variation 2133774 (VCV002133774.4), dbSNP rs2494438272, ClinGen allele CA2580081434.
Genomic context (GRCh38, chr10:27,987,411, plus strand): 5'-AAAGTTCAAATCACAGACTGGAGCATTAAGATCACCTTCAACACATGCTTGGGCTTCCTT[C>CA]AACTTCCCAGTTTTGGCAATAAGTAACAAGCGTGACAGCTGCCCAAAGCTCCTAATTTTA-3'

ClinVar aggregate classification (germline): Pathogenic (1 of 4 stars; one submission).

Conditions:
Primary ciliary dyskinesia 23 (CILD23). Also called: CILIARY DYSKINESIA, PRIMARY, 23, WITH OR WITHOUT SITUS INVERSUS. Identifiers: Orphanet 244, MedGen C3809548, MONDO:0014193, OMIM 615451.

Submission:

Labcorp Genetics (formerly Invitae), Labcorp
Classification: Pathogenic for Primary ciliary dyskinesia 23. Last evaluated: 2022-05-04. Review status: criteria provided, single submitter. Criteria: Invitae Variant Classification Sherloc (09022015). Collection method: clinical testing. Allele origin: germline.
Comment: For these reasons, this variant has been classified as Pathogenic. Algorithms developed to predict the effect of sequence changes on RNA splicing suggest that this variant may disrupt the consensus splice site. This variant has not been reported in the literature in individuals affected with ARMC4-related conditions. This variant is not present in population databases (gnomAD no frequency). This sequence change creates a premature translational stop signal (p.Leu119Phefs*9) in the ARMC4 gene. It is expected to result in an absent or disrupted protein product. Loss-of-function variants in ARMC4 are known to be pathogenic (PMID: 23849778).

Literature cited by the submitters: PubMed 23849778.